The following is an entry in ClinVar:

ClinVar aggregate classification (germline): Likely pathogenic (1 of 4 stars; one submission).

Conditions:
Glucocorticoid deficiency 1 (GCCD1). Also called: Glucocorticoid deficiency, due to ACTH unresponsiveness; Adrenal unresponsiveness to acth; FAMILIAL GLUCOCORTICOID DEFICIENCY 1. Identifiers: Orphanet 361, MedGen C4049650, MONDO:0024536, OMIM 202200.

Submission:

Neuberg Centre For Genomic Medicine, NCGM
Classification: Likely pathogenic for Glucocorticoid deficiency 1. Review status: criteria provided, single submitter. Criteria: ACMG Guidelines, 2015. Collection method: clinical testing. Allele origin: germline. Inheritance: Autosomal recessive inheritance. Affected: yes.
Comment: The observed frameshift variant c.548dup(p.Leu184AlafsTer65) in the MC2R gene has not been reported previously as a pathogenic variant nor as a benign variant, to our knowledge. This variant is absent in the gnomAD Exomes. This variant causes a frameshift starting with codon Leucine 184, changes this amino acid to Alanine residue, and creates a premature Stop codon at position 65 of the new reading frame, denoted p.Leu184AlafsTer65. This variant is predicted to cause loss of normal protein function through protein truncation. Loss of function variants have been previously reported to be disease causing (Guran T, et al., 2016). For these reasons, this variant has been classified as Likely Pathogenic.

NM_000529.2(MC2R):c.548dup (p.Leu184fs)

Gene: MC2R (melanocortin 2 receptor; minus strand). Cytogenetic location: 18p11.21.
Variant type: Duplication.
Coding change: c.548dup on transcript NM_000529.2 (MANE Select); coding-DNA position 548, one base duplicated (C; older notation c.548dupC).
Protein change: p.Leu184fs; shifts the reading frame from leucine 184.
Molecular consequence: frameshift variant.
Genome position (GRCh38, 1-based): chr18:13,884,971, G duplicated on the plus strand (C on the coding strand, the reverse complement: MC2R is on the minus strand); the first of 3 consecutive G bases (chr18:13,884,971-13,884,973); duplicating any one gives the same sequence. VCF-style (leftmost placement, unchanged base first): chr18-13884970-C-CG. GRCh37 (hg19) VCF-style: chr18-13884969-C-CG.
Other names: c.548dup, p.Leu184fs (NM_001291911.1); short protein forms L184fs.
Identifiers: ClinVar variation 3377610 (VCV003377610.1).